The following is an entry in ClinVar:

NM_173551.5(ANKS6):c.1972+1G>T

Genes: ANKS6 (ankyrin repeat and sterile alpha motif domain containing 6; minus strand), LOC124310614 (Sharpr-MPRA regulatory region 9654; plus strand). Cytogenetic location: 9q22.33.
Variant type: single nucleotide variant.
Coding change: c.1972+1G>T on transcript NM_173551.5 (MANE Select); the canonical splice donor site of the intron after coding-DNA position 1972, G replaced by T.
Molecular consequence: splice donor variant.
Genome position (GRCh38, 1-based): chr9:98,770,895, C>A on the plus strand (G>T on the coding strand, the complement: ANKS6 is on the minus strand). VCF-style: chr9-98770895-C-A. GRCh37 (hg19) VCF-style: chr9-101533177-C-A.
Identifiers: ClinVar variation 5007481 (VCV005007481.2).

ClinVar aggregate classification (germline): Likely pathogenic (1 of 4 stars; one submission).

Conditions:
Nephronophthisis 16 (NPHP16). Identifiers: Orphanet 655, MedGen C3809320, MONDO:0014158, OMIM 615382.

Submission:

Juno Genomics, Hangzhou Juno Genomics, Inc
Classification: Likely pathogenic for Nephronophthisis 16. Review status: criteria provided, single submitter. Criteria: ACMG Guidelines, 2015. Collection method: clinical testing. Allele origin: germline.
Comment: Null variant in a gene where loss of function (LOF) is a known mechanism of disease.;Absent from controls (or at extremely low frequency if recessive) in Genome Aggregation Database.